The following is an entry in ClinVar:

NM_032861.4(SERAC1):c.1169A>G (p.Gln390Arg)

Gene: SERAC1 (serine active site containing 1; minus strand). Cytogenetic location: 6q25.3.
Variant type: single nucleotide variant.
Coding change: c.1169A>G on transcript NM_032861.4 (MANE Select); coding-DNA position 1169, A replaced by G.
Protein change: p.Gln390Arg; replaces glutamine 390 with arginine.
Molecular consequence: missense variant. On other transcripts: non-coding transcript variant (1).
Genome position (GRCh38, 1-based): chr6:158,119,168, T>C on the plus strand (A>G on the coding strand, the complement: SERAC1 is on the minus strand). VCF-style: chr6-158119168-T-C. GRCh37 (hg19) VCF-style: chr6-158540200-T-C.
Other names: short protein forms Q390R.
Identifiers: ClinVar variation 1404574 (VCV001404574.8), dbSNP rs779061767, ClinGen allele CA4071170.

ClinVar aggregate classification (germline): Uncertain significance (1 of 4 stars; one submission).

Conditions:
3-methylglutaconic aciduria with deafness, encephalopathy, and Leigh-like syndrome (MEGDEL). Also called: 3-METHYLGLUTACONIC ACIDURIA, TYPE VI; SERAC1 Deficiency; MEGDEL syndrome. Identifiers: Orphanet 352328, MedGen C4040739, MONDO:0013875, OMIM 614739.

Allele frequency attached by ClinVar (database versions not stated): gnomAD 0.00001; gnomAD exomes 0.00001; ExAC 0.00003.
gnomAD v4.1: 13 of 1,608,938 alleles (0.00081%); highest among the groups gnomAD compares: East Asian, 0.013%; no homozygotes.

Submission:

Labcorp Genetics (formerly Invitae), Labcorp
Classification: Uncertain significance for 3-methylglutaconic aciduria with deafness, encephalopathy, and Leigh-like syndrome. Last evaluated: 2024-07-23. Review status: criteria provided, single submitter. Criteria: Invitae Variant Classification Sherloc (09022015). Collection method: clinical testing. Allele origin: germline.
Comment: This sequence change replaces glutamine, which is neutral and polar, with arginine, which is basic and polar, at codon 390 of the SERAC1 protein (p.Gln390Arg). The frequency data for this variant in the population databases is considered unreliable, as metrics indicate poor data quality at this position in the gnomAD database. This variant has not been reported in the literature in individuals affected with SERAC1-related conditions. ClinVar contains an entry for this variant (Variation ID: 1404574). An algorithm developed to predict the effect of missense changes on protein structure and function (PolyPhen-2) suggests that this variant is likely to be disruptive. In summary, the available evidence is currently insufficient to determine the role of this variant in disease. Therefore, it has been classified as a Variant of Uncertain Significance.